The following is an entry in ClinVar:

NM_000245.4(MET):c.2153C>A (p.Thr718Asn)

Gene: MET (MET proto-oncogene, receptor tyrosine kinase; plus strand). Cytogenetic location: 7q31.2.
Variant type: single nucleotide variant.
Coding change: c.2153C>A on transcript NM_000245.4 (MANE Select); coding-DNA position 2153, C replaced by A.
Protein change: p.Thr718Asn; replaces threonine 718 with asparagine.
Molecular consequence: missense variant.
Genome position (GRCh38, 1-based): chr7:116,758,509, C>A. VCF-style: chr7-116758509-C-A. GRCh37 (hg19) VCF-style: chr7-116398563-C-A.
Other names: c.2153C>A, p.Thr718Asn (NM_001127500.3, NM_001324401.3); c.863C>A, p.Thr288Asn (NM_001324402.2); short protein forms T718N, T288N.
Identifiers: ClinVar variation 5024419 (VCV005024419.1).

ClinVar aggregate classification (germline): Uncertain significance (1 of 4 stars; one submission).

Conditions:
Hereditary cancer-predisposing syndrome. Also called: Neoplastic Syndromes, Hereditary; Tumor predisposition; Hereditary neoplastic syndrome; Hereditary Cancer Syndrome. Identifiers: Orphanet 140162, MedGen C0027672, MeSH D009386, MONDO:0015356.

Submission:

Ambry Genetics
Classification: Uncertain significance for Hereditary cancer-predisposing syndrome. Last evaluated: 2026-08-08. Review status: criteria provided, single submitter. Criteria: Ambry Variant Classification Scheme 2023. Collection method: clinical testing. Allele origin: germline.
Comment: The p.T718N variant (also known as c.2153C>A), located in coding exon 8 of the MET gene, results from a C to A substitution at nucleotide position 2153. The threonine at codon 718 is replaced by asparagine, an amino acid with similar properties. This amino acid position is conserved. In addition, this alteration is predicted to be tolerated by in silico analysis. Based on the available evidence, the clinical significance of this variant remains unclear.